The following is an entry in ClinVar:

ClinVar aggregate classification (germline): Uncertain significance (1 of 4 stars; one submission).

Conditions:
Hereditary cancer-predisposing syndrome. Also called: Neoplastic Syndromes, Hereditary; Tumor predisposition; Hereditary neoplastic syndrome; Hereditary Cancer Syndrome. Identifiers: Orphanet 140162, MedGen C0027672, MeSH D009386, MONDO:0015356.
Cardiovascular phenotype. Identifiers: MedGen CN230736.

Submission:

Ambry Genetics
Classification: Uncertain significance for Cardiovascular phenotype; Hereditary cancer-predisposing syndrome. Last evaluated: 2023-04-19. Review status: criteria provided, single submitter. Criteria: Ambry Variant Classification Scheme 2023. Collection method: clinical testing. Allele origin: germline.
Comment: The p.T406P variant (also known as c.1216A>C), located in coding exon 11 of the LZTR1 gene, results from an A to C substitution at nucleotide position 1216. The threonine at codon 406 is replaced by proline, an amino acid with highly similar properties. This amino acid position is conserved. In addition, this alteration is predicted to be deleterious by in silico analysis. Since supporting evidence is limited at this time, the clinical significance of this alteration remains unclear.

NM_006767.4(LZTR1):c.1216A>C (p.Thr406Pro)

Gene: LZTR1 (leucine zipper like post translational regulator 1; plus strand). Cytogenetic location: 22q11.21.
Variant type: single nucleotide variant.
Coding change: c.1216A>C on transcript NM_006767.4 (MANE Select); coding-DNA position 1216, A replaced by C.
Protein change: p.Thr406Pro; replaces threonine 406 with proline.
Molecular consequence: missense variant.
Genome position (GRCh38, 1-based): chr22:20,992,860, A>C. VCF-style: chr22-20992860-A-C. GRCh37 (hg19) VCF-style: chr22-21347149-A-C.
Other names: short protein forms T406P.
Identifiers: ClinVar variation 3238034 (VCV003238034.1), dbSNP rs2518618865.